The following is an entry in ClinVar:

NM_024757.5(EHMT1):c.2132T>C (p.Leu711Pro)

Gene: EHMT1 (euchromatic histone lysine methyltransferase 1; plus strand). Cytogenetic location: 9q34.3.
Variant type: single nucleotide variant.
Coding change: c.2132T>C on transcript NM_024757.5 (MANE Select); coding-DNA position 2132, T replaced by C.
Protein change: p.Leu711Pro; replaces leucine 711 with proline.
Molecular consequence: missense variant.
Genome position (GRCh38, 1-based): chr9:137,777,995, T>C. VCF-style: chr9-137777995-T-C. GRCh37 (hg19) VCF-style: chr9-140672447-T-C.
Other names: c.2132T>C, p.Leu711Pro (NM_001145527.2); c.2039T>C, p.Leu680Pro (NM_001354259.2); c.2111T>C, p.Leu704Pro (NM_001354263.2); short protein forms L680P, L704P, L711P.
Identifiers: ClinVar variation 1697260 (VCV001697260.4), dbSNP rs2136712318, ClinGen allele CA375778946.

ClinVar aggregate classification (germline): Conflicting classifications of pathogenicity. Review status: criteria provided, conflicting classifications (1 of 4 stars). 2 submissions from 2 submitters: Uncertain significance (1); Likely benign (1). Last evaluated 2023-01-30.

Conditions:
Kleefstra syndrome 1 (KLEFS1). Identifiers: Orphanet 261494, MedGen C0795833, MONDO:0027407, OMIM 610253.

Submissions (2):

Blueprint Genetics
Classification: Likely benign. Last evaluated: 2023-01-30. Review status: criteria provided, single submitter. Criteria: ACMG Guidelines, 2015. Collection method: clinical testing. Allele origin: germline.

Victorian Clinical Genetics Services, Murdoch Childrens Research Institute
Classification: Uncertain significance for Kleefstra syndrome 1. Last evaluated: 2022-06-24. Review status: criteria provided, single submitter. Criteria: ACMG Guidelines, 2015. Collection method: clinical testing. Allele origin: germline. Inheritance: Autosomal dominant inheritance. Affected: yes.
Comment: Based on the classification scheme VCGS_Germline_v1.3.4, this variant is classified as VUS-3B. Following criteria are met: 0102 - Loss of function is a known mechanism of disease in this gene and is associated with Kleefstra syndrome 1 (MIM#610253). (I) 0107 - This gene is associated with autosomal dominant disease. (I) 0200 - Variant is predicted to result in a missense amino acid change from leucine to proline. (I) 0251 - This variant is heterozygous. (I) 0301 - Variant is absent from gnomAD (both v2 and v3). (SP) 0309 - An alternative amino acid change at the same position has been observed in gnomAD (v2: 17 heterozygotes, 0 homozygotes). (I) 0502 - Missense variant with conflicting in silico predictions and uninformative conservation. (I) 0604 - Variant is not located in an established domain, motif, hotspot or informative constraint region. (I) 0705 - No comparable missense variants have previous evidence for pathogenicity. However, a smaller change p.(Leu71Phe) has been classified as likely benign in ClinVar. (I) 0807 - This variant has no previous evidence of pathogenicity. (I) 0905 - No published segregation evidence has been identified for this variant. (I) 1007 - No published functional evidence has been identified for this variant. (I) 1208 - Inheritance information for this variant is not currently available in this individual. (I) Legend: (SP) - Supporting pathogenic, (I) - Information, (SB) - Supporting benign